The following is an entry in ClinVar:

NM_004168.4(SDHA):c.1629T>C (p.Tyr543=)

Gene: SDHA (succinate dehydrogenase complex flavoprotein subunit A; plus strand). Cytogenetic location: 5p15.33.
Variant type: single nucleotide variant.
Coding change: c.1629T>C on transcript NM_004168.4 (MANE Select); coding-DNA position 1629, T replaced by C.
Protein change: p.Tyr543=; no amino-acid change (tyrosine 543 retained).
Molecular consequence: synonymous variant. On other transcripts: intron variant (1).
Genome position (GRCh38, 1-based): chr5:251,069, T>C. VCF-style: chr5-251069-T-C. GRCh37 (hg19) VCF-style: chr5-251184-T-C.
Other names: c.1485T>C, p.Tyr495= (NM_001294332.2); c.1552-3324T>C (NM_001330758.2).
Identifiers: ClinVar variation 417255 (VCV000417255.20), dbSNP rs747249998, ClinGen allele CA3173308.

ClinVar aggregate classification (germline): Benign/Likely benign. Review status: criteria provided, multiple submitters, no conflicts (2 of 4 stars). 5 submissions from 5 submitters: Benign (1); Likely benign (3). 1 of the submissions does not count toward it. Last evaluated 2026-01-12.

Conditions:
Pheochromocytoma/paraganglioma syndrome 5. Also called: SDHA-Related Hereditary Paraganglioma-Pheochromocytoma Syndrome; Paragangliomas 5. Identifiers: Orphanet 29072, MedGen C3279992, MONDO:0013602, OMIM 614165.
Mitochondrial complex II deficiency, nuclear type 1. Also called: SUCCINATE CoQ REDUCTASE DEFICIENCY. Identifiers: Orphanet 3208, MedGen C5700310, MONDO:0100294, OMIM 252011.
Hereditary cancer-predisposing syndrome. Also called: Tumor predisposition; Hereditary Cancer Syndrome; Hereditary neoplastic syndrome; Neoplastic Syndromes, Hereditary. Identifiers: Orphanet 140162, MedGen C0027672, MeSH D009386, MONDO:0015356.
SDHA-related disorder. Also called: SDHA-related condition; SDHA-related disorders.

Allele frequency attached by ClinVar (database versions not stated): ExAC 0.00002; gnomAD exomes 0.00002 and 0.00003.

Submissions (5):

Labcorp Genetics (formerly Invitae), Labcorp
Classification: Likely benign for Pheochromocytoma/paraganglioma syndrome 5; Mitochondrial complex II deficiency, nuclear type 1. Last evaluated: 2026-01-12. Review status: criteria provided, single submitter. Criteria: Invitae Variant Classification Sherloc (09022015). Collection method: clinical testing. Allele origin: germline.

Myriad Genetics, Inc.
Classification: Benign for Pheochromocytoma/paraganglioma syndrome 5. Last evaluated: 2025-03-10. Review status: criteria provided, single submitter. Criteria: Myriad Autosomal Dominant, Autosomal Recessive and X-Linked Classification Criteria (2023). Collection method: clinical testing. Allele origin: unknown.
Comment: This variant is considered benign. This variant is a silent/synonymous amino acid change and it is not expected to impact splicing.

Blueprint Genetics
Classification: Likely benign. Last evaluated: 2023-12-18. Review status: criteria provided, single submitter. Criteria: ACMG Guidelines, 2015. Collection method: clinical testing. Allele origin: germline.

Ambry Genetics
Classification: Likely benign for Hereditary cancer-predisposing syndrome. Last evaluated: 2015-10-06. Review status: criteria provided, single submitter. Criteria: Ambry Variant Classification Scheme 2023. Collection method: clinical testing. Allele origin: germline.

PreventionGenetics, part of Exact Sciences
Classification: Likely benign for SDHA-related condition. Last evaluated: 2024-03-08. Review status: no assertion criteria provided. Collection method: clinical testing. Allele origin: germline. Not counted in ClinVar's aggregate classification.
Comment: This variant is classified as likely benign based on ACMG/AMP sequence variant interpretation guidelines (Richards et al. 2015 PMID: 25741868, with internal and published modifications).